The following is an entry in ClinVar:

NM_001101648.2(NPC1L1):c.661C>T (p.His221Tyr)

Gene: NPC1L1 (NPC1 like intracellular cholesterol transporter 1; minus strand). Cytogenetic location: 7p13.
Variant type: single nucleotide variant.
Coding change: c.661C>T on transcript NM_001101648.2 (MANE Select); coding-DNA position 661, C replaced by T.
Protein change: p.His221Tyr; replaces histidine 221 with tyrosine.
Molecular consequence: missense variant.
Genome position (GRCh38, 1-based): chr7:44,539,736, G>A on the plus strand (C>T on the coding strand, the complement: NPC1L1 is on the minus strand). VCF-style: chr7-44539736-G-A. GRCh37 (hg19) VCF-style: chr7-44579335-G-A.
Other names: c.661C>T, p.His221Tyr (NM_001300967.2, NM_013389.3); short protein forms H221Y.
Identifiers: ClinVar variation 2657435 (VCV002657435.24), dbSNP rs114376659, ClinGen allele CA4242387.

ClinVar aggregate classification (germline): Likely benign (1 of 4 stars; one submission).

Allele frequency attached by ClinVar (database versions not stated): 1000 Genomes Project 30x 0.00250; 1000 Genomes Project 0.00300; TOPMed 0.00344; ESP Exome Variant Server 0.00538; gnomAD exomes 0.00569; gnomAD 0.00722; ExAC 0.00791.
gnomAD v4.1: 9,336 of 1,614,148 alleles (0.58%); highest among the groups gnomAD compares: Non-Finnish European, 0.56%; 129 homozygotes.

Submission:

CeGaT Center for Human Genetics Tuebingen
Classification: Likely benign. Last evaluated: 2023-01-01. Review status: criteria provided, single submitter. Criteria: CeGaT Center For Human Genetics Tuebingen Variant Classification Criteria Version 2. Collection method: clinical testing. Allele origin: germline. Affected: yes. Observed: 1 variant allele.
Comment: NPC1L1: BP4, BS2